The following is an entry in ClinVar:

NM_001244008.2(KIF1A):c.3827G>A (p.Arg1276Gln)

Genes: KIF1A (kinesin family member 1A; minus strand), LOC126806583 (P300/CBP strongly-dependent group 1 enhancer GRCh37_chr2:241678910-241680109; plus strand). Cytogenetic location: 2q37.3.
Variant type: single nucleotide variant.
Coding change: c.3827G>A on transcript NM_001244008.2 (MANE Select); coding-DNA position 3827, G replaced by A.
Protein change: p.Arg1276Gln; replaces arginine 1276 with glutamine.
Molecular consequence: missense variant.
Genome position (GRCh38, 1-based): chr2:240,740,132, C>T on the plus strand (G>A on the coding strand, the complement: KIF1A is on the minus strand). VCF-style: chr2-240740132-C-T. GRCh37 (hg19) VCF-style: chr2-241679549-C-T.
Other names: c.3551G>A, p.Arg1184Gln (NM_001320705.2, NM_001330289.2, NM_001379638.1); c.3626G>A, p.Arg1209Gln (NM_001330290.2, NM_001379634.1, NM_001379635.1 and 1 more transcripts); c.3902G>A, p.Arg1301Gln (NM_001379631.1); c.3776G>A, p.Arg1259Gln (NM_001379632.1); c.3800G>A, p.Arg1267Gln (NM_001379633.1, NM_001379642.1, NM_001379645.1); c.3524G>A, p.Arg1175Gln (NM_001379636.1, NM_001379639.1, NM_001379641.1 and 5 more transcripts); c.3599G>A, p.Arg1200Gln (NM_001379637.1, NM_001379648.1); c.3521G>A, p.Arg1174Gln (NM_001379640.1); short protein forms R1174Q, R1175Q, R1184Q, R1200Q, R1209Q, R1259Q, R1267Q, R1276Q.
Identifiers: ClinVar variation 1016884 (VCV001016884.10), dbSNP rs2047780556, ClinGen allele CA351314571.

ClinVar aggregate classification (germline): Conflicting classifications of pathogenicity. Review status: criteria provided, conflicting classifications (1 of 4 stars). 2 submissions from 2 submitters: Likely pathogenic (1); Uncertain significance (1). Last evaluated 2025-04-10.

Conditions:
Neuropathy, hereditary sensory, type 2C. Also called: Hereditary sensory and autonomic neuropathy type IIC; KIF1A-Related HSAN2 (HSAN2C). Identifiers: Orphanet 970, MedGen C3280168, MONDO:0013634, OMIM 614213.
Intellectual disability, autosomal dominant 9 (NESCAVS). Also called: KIF1A-Related Neurodevelopmental Disorder; NESCAV SYNDROME. Identifiers: Orphanet 662367, MedGen C5393830, MONDO:0013656, OMIM 614255.
Hereditary spastic paraplegia 30. Identifiers: Orphanet 101010, MedGen C5235139, MONDO:0012476.

Submissions (2):

MVZ Martinsried, Medicover Genetics
Classification: Likely pathogenic for Spastic paraplegia 30A, autosomal dominant. Last evaluated: 2025-04-10. Review status: criteria provided, single submitter. Criteria: ACGS Guidelines, 2020. Collection method: clinical testing. Allele origin: unknown. Affected: yes. Observed: 1 heterozygote.

Labcorp Genetics (formerly Invitae), Labcorp
Classification: Uncertain significance for Hereditary spastic paraplegia 30; Neuropathy, hereditary sensory, type 2C; Intellectual disability, autosomal dominant 9. Last evaluated: 2021-02-25. Review status: criteria provided, single submitter. Criteria: Invitae Variant Classification Sherloc (09022015). Collection method: clinical testing. Allele origin: germline.
Comment: This variant is not present in population databases (ExAC no frequency). This sequence change replaces arginine with glutamine at codon 1175 of the KIF1A protein (p.Arg1175Gln). The arginine residue is highly conserved and there is a small physicochemical difference between arginine and glutamine. This variant has been observed in individual(s) with clinical features of hereditary spastic paraplegia (Invitae). Algorithms developed to predict the effect of missense changes on protein structure and function are either unavailable or do not agree on the potential impact of this missense change (SIFT: "Deleterious"; PolyPhen-2: "Probably Damaging"; Align-GVGD: "Class C0"). In summary, the available evidence is currently insufficient to determine the role of this variant in disease. Therefore, it has been classified as a Variant of Uncertain Significance.